The following is an entry in ClinVar:

ClinVar aggregate classification (germline): Uncertain significance (1 of 4 stars; one submission).

Conditions:
Hereditary nonpolyposis colorectal neoplasms. Identifiers: MedGen C0009405, MeSH D003123.

Submission:

Labcorp Genetics (formerly Invitae), Labcorp
Classification: Uncertain significance for Hereditary nonpolyposis colorectal neoplasms. Last evaluated: 2020-03-04. Review status: criteria provided, single submitter. Criteria: Invitae Variant Classification Sherloc (09022015). Collection method: clinical testing. Allele origin: germline.
Comment: In summary, the available evidence is currently insufficient to determine the role of this variant in disease. Therefore, it has been classified as a Variant of Uncertain Significance. Experimental studies and prediction algorithms are not available for this variant, and the functional significance of the deleted amino acid is currently unknown. This variant has not been reported in the literature in individuals with MSH6-related disease. This variant is not present in population databases (ExAC no frequency). This variant, c.2833_2835delAGA, results in the deletion of 1 amino acid of the MSH6 protein (p.Arg945del), but otherwise preserves the integrity of the reading frame.

NM_000179.3(MSH6):c.2833_2835del (p.Arg945del)

Gene: MSH6 (mutS homolog 6; plus strand). Cytogenetic location: 2p16.3.
Variant type: Deletion.
Coding change: c.2833_2835del on transcript NM_000179.3 (MANE Select); coding-DNA positions 2833 to 2835, 3 bases deleted (AGA; older notation c.2833_2835delAGA).
Protein change: p.Arg945del; deletes arginine 945.
Molecular consequence: inframe deletion.
Genome position (GRCh38, 1-based): chr2:47,800,816-47,800,818, AGA deleted; deleting any 3 consecutive bases within chr2:47,800,815-47,800,818 gives the same sequence; the c. name uses the placement nearest the transcript's 3' end. VCF-style (leftmost placement, unchanged base first): chr2-47800814-TAAG-T. GRCh37 (hg19) VCF-style: chr2-48027953-TAAG-T.
Other names: c.2833_2835delAGA (NM_000179.2); c.2443_2445del, p.Arg815del (NM_001281492.2); c.1927_1929del, p.Arg643del (NM_001281493.2, NM_001281494.2); short protein forms R945del, R815del, R643del.
Identifiers: ClinVar variation 525680 (VCV000525680.9), dbSNP rs1553414199, ClinGen allele CA658795731.